The following is an entry in ClinVar:

NM_001077365.2(POMT1):c.1272+2T>C

Gene: POMT1 (protein O-mannosyltransferase 1; plus strand). Cytogenetic location: 9q34.13.
Variant type: single nucleotide variant.
Coding change: c.1272+2T>C on transcript NM_001077365.2 (MANE Select); the canonical splice donor site of the intron after coding-DNA position 1272, T replaced by C.
Molecular consequence: splice donor variant.
Genome position (GRCh38, 1-based): chr9:131,515,524, T>C. VCF-style: chr9-131515524-T-C. GRCh37 (hg19) VCF-style: chr9-134390911-T-C.
Other names: c.1176+2T>C (NM_001353198.2, NM_001353197.2); c.1338+2T>C (NM_001353193.2, NM_007171.4); c.1272+2T>C (NM_001136113.2, NM_001374690.1); c.1110+2T>C (NM_001353194.2, NM_001077366.2); c.921+2T>C (NM_001374691.1, NM_001353195.2, NM_001374692.1 and 2 more transcripts); c.1182+2T>C (NM_001353196.2); c.882+2T>C (NM_001374695.1); c.1260+2T>C (NM_001374689.1); and 3 more.
Identifiers: ClinVar variation 580081 (VCV000580081.10), dbSNP rs1564365317, ClinGen allele CA375310225.

ClinVar aggregate classification (germline): Pathogenic/Likely pathogenic. Review status: criteria provided, multiple submitters, no conflicts (2 of 4 stars). 3 submissions from 3 submitters: Pathogenic (1); Likely pathogenic (2). Last evaluated 2024-11-21.

Conditions:
Myopathy caused by variation in POMT1. Identifiers: MedGen CN305641, MONDO:0700070.
Autosomal recessive limb-girdle muscular dystrophy type 2K. Also called: MUSCULAR DYSTROPHY-DYSTROGLYCANOPATHY (LIMB-GIRDLE), TYPE C, 1; MUSCULAR DYSTROPHY, LIMB-GIRDLE, TYPE 2K. Identifiers: Orphanet 86812, MedGen C1836373, MONDO:0012248, OMIM 609308.
Walker-Warburg congenital muscular dystrophy. Also called: Muscular dystrophy-dystroglycanopathy, type A; Walker-Warburg syndrome. Identifiers: Orphanet 899, MedGen C0265221, MONDO:0000171.
Muscular dystrophy-dystroglycanopathy (congenital with impaired intellectual development), type B, 1. Also called: Muscular dystrophy-dystroglycanopathy (congenital with intellectual disability), type B1; MUSCULAR DYSTROPHY, CONGENITAL, POMT1-RELATED. Identifiers: MedGen C5436962, MONDO:0013159, OMIM 613155.
POMT1-related disorder. Also called: POMT1-related condition; POMT1-related disorders.

Allele frequency attached by ClinVar (database versions not stated): gnomAD exomes 0.00001.
gnomAD v4.1: 9 of 1,613,594 alleles (0.00056%); highest among the groups gnomAD compares: Non-Finnish European, 0.00076%; no homozygotes.

Submissions (3):

Labcorp Genetics (formerly Invitae), Labcorp
Classification: Pathogenic for Muscular dystrophy-dystroglycanopathy (congenital with impaired intellectual development), type B, 1; Walker-Warburg congenital muscular dystrophy; Autosomal recessive limb-girdle muscular dystrophy type 2K. Last evaluated: 2024-11-21. Review status: criteria provided, single submitter. Criteria: Invitae Variant Classification Sherloc (09022015). Collection method: clinical testing. Allele origin: germline.
Comment: This sequence change affects a donor splice site in intron 13 of the POMT1 gene. It is expected to disrupt RNA splicing. Variants that disrupt the donor or acceptor splice site typically lead to a loss of protein function (PMID: 16199547), and loss-of-function variants in POMT1 are known to be pathogenic (PMID: 12369018, 15637732, 16575835). This variant is not present in population databases (gnomAD no frequency). Disruption of this splice site has been observed in individual(s) with POMT1-related conditions (PMID: 17559086, 28157257). In at least one individual the data is consistent with being in trans (on the opposite chromosome) from a pathogenic variant. It has also been observed to segregate with disease in related individuals. ClinVar contains an entry for this variant (Variation ID: 580081). Algorithms developed to predict the effect of sequence changes on RNA splicing suggest that this variant may disrupt the consensus splice site. For these reasons, this variant has been classified as Pathogenic.

Victorian Clinical Genetics Services, Murdoch Childrens Research Institute
Classification: Likely pathogenic for Myopathy caused by variation in POMT1. Last evaluated: 2024-11-21. Review status: criteria provided, single submitter. Criteria: ACMG Guidelines, 2015. Collection method: clinical testing. Allele origin: germline.
Comment: This variant is classified as Likely pathogenic. Evidence in support of pathogenic classification: Canonical splice site variant without proven consequence on splicing (no functional evidence available); Variant is present in gnomAD <0.01 for a recessive condition (v4: 9 heterozygote(s), 0 homozygote(s)); This variant has limited previous evidence of pathogenicity in an unrelated individual(s). It has been classified as likely pathogenic by a clinical laboratory (ClinVar); Other splice variant(s) comparable to the one identified in this case have strong previous evidence for pathogenicity. c.1272+1G>A and c.1272+2dup have been classified as pathogenic and likely pathogenic by clinical laboratories in ClinVar, respectively. c.1272+1G>A has also been reported as compound heterozygous in at least one individual and their sibling, both of whom had muscular dystrophy-dystroglycanopathy (limb-girdle), type C, 1 (PMID: 28157257); Abnormal splicing is predicted by an in silico tool and affected nucleotide is highly conserved. Additional information: This variant is heterozygous; This gene is associated with autosomal recessive disease; An alternative nucleotide change at the same canonical splice site is observed in gnomAD (v4: 2 heterozygote(s), 0 homozygote(s)); No published segregation evidence has been identified for this variant; No published functional evidence has been identified for this variant; Loss of function is a known mechanism of disease in this gene and is associated with muscular dystrophy-dystroglycanopathy (congenital with brain and eye anomalies) type A, 1 (MIM#236670), muscular dystrophy-dystroglycanopathy (congenital with impaired intellectual development), type B, 1 (MIM#613155) and muscular dystrophy-dystroglycanopathy (limb-girdle), type C, 1 (MIM#609308); Variants in this gene are known to have variable expressivity. The phenotypic spectrum ranges from the severe muscular dystrophy-dystroglycanopathy type A to milder forms of muscular dystrophy-dystroglycanopathy type C (PMID: 31311558; OMIM).

Blueprint Genetics
Classification: Likely pathogenic for POMT1-related disorders. Last evaluated: 2024-11-20. Review status: criteria provided, single submitter. Criteria: ACMG Guidelines, 2015. Collection method: clinical testing. Allele origin: germline. Affected: yes. Observed: 1 variant allele.

Literature cited by the submitters: PubMed 16199547 (cited by Labcorp Genetics (formerly Invitae), Labcorp); PubMed 12369018 (cited by Labcorp Genetics (formerly Invitae), Labcorp); PubMed 15637732 (cited by Labcorp Genetics (formerly Invitae), Labcorp); PubMed 16575835 (cited by Labcorp Genetics (formerly Invitae), Labcorp); PubMed 17559086 (cited by Labcorp Genetics (formerly Invitae), Labcorp); PubMed 28157257 (cited by Labcorp Genetics (formerly Invitae), Labcorp and Victorian Clinical Genetics Services, Murdoch Childrens Research Institute); PubMed 31311558 (cited by Victorian Clinical Genetics Services, Murdoch Childrens Research Institute).